The following is an entry in ClinVar:

ClinVar aggregate classification (germline): Pathogenic/Likely pathogenic. Review status: criteria provided, multiple submitters, no conflicts (2 of 4 stars). 2 submissions from 2 submitters: Pathogenic (1); Likely pathogenic (1). Last evaluated 2022-08-09.

Conditions:
Duchenne muscular dystrophy (DMD). Also called: MUSCULAR DYSTROPHY, PSEUDOHYPERTROPHIC PROGRESSIVE, DUCHENNE TYPE; Duchenne Muscular Dystrophy (DMD). Identifiers: Orphanet 98896, MedGen C0013264, MONDO:0010679, OMIM 310200.

Submissions (2):

Labcorp Genetics (formerly Invitae), Labcorp
Classification: Likely pathogenic for Duchenne muscular dystrophy. Last evaluated: 2022-08-09. Review status: criteria provided, single submitter. Criteria: Invitae Variant Classification Sherloc (09022015). Collection method: clinical testing. Allele origin: germline.
Comment: This sequence change falls in intron 33 of the DMD gene. It does not directly change the encoded amino acid sequence of the DMD protein. This variant is not present in population databases (gnomAD no frequency). This variant has been observed in individual(s) with Becker muscular dystrophy and/or DMD-related conditions (PMID: 19783145). ClinVar contains an entry for this variant (Variation ID: 449381). Studies have shown that this variant is associated with altered splicing resulting in multiple RNA products with unknown protein product impact (PMID: 19783145). In summary, the currently available evidence indicates that the variant is pathogenic, but additional data are needed to prove that conclusively. Therefore, this variant has been classified as Likely Pathogenic.

GeneDx
Classification: Pathogenic. Last evaluated: 2017-11-03. Review status: criteria provided, single submitter. Criteria: GeneDx Variant Classification (06012015). Collection method: clinical testing. Allele origin: germline. Affected: yes.
Comment: The c.4675-11 A>G variant has been reported previously in association with Becker muscular dystrophy (SedlÃ¡ckovÃ¡ et al., 2009). The authors performed RNA sequencing, which indicates that c.4675-11 A>G affects splicing by insertion of part of intron 33 (c.4675_4676ins10), which causes a frameshift starting with codon Valine 1559, changes this amino acid to a Phenylalinine residue and creates a premature Stop codon at position 20 of the new reading frame, denoted p.Val1559PhefsX20 (SedlÃ¡ckovÃ¡ et al., 2009). This pathogenic variant is predicted to cause loss of normal protein function either through protein truncation or nonsense-mediated mRNA decay. The c.4675-11 A>G variant is not observed in large population cohorts (Lek et al., 2016).

Literature cited by the submitters: PubMed 19783145 (cited by Labcorp Genetics (formerly Invitae), Labcorp).

NM_004006.3(DMD):c.4675-11A>G

Gene: DMD (dystrophin; minus strand). Cytogenetic location: Xp21.1.
Variant type: single nucleotide variant.
Coding change: c.4675-11A>G on transcript NM_004006.3 (MANE Select); 11 bases into the intron before coding-DNA position 4675, A replaced by G.
Molecular consequence: intron variant.
Genome position (GRCh38, 1-based): chrX:32,380,691, T>C on the plus strand (A>G on the coding strand, the complement: DMD is on the minus strand). VCF-style: chrX-32380691-T-C. GRCh37 (hg19) VCF-style: chrX-32398808-T-C.
Other names: c.4651-11A>G (NM_000109.4); c.652-11A>G (NM_004011.4); c.643-11A>G (NM_004012.4); c.4663-11A>G (NM_004009.3); c.4306-11A>G (NM_004010.3).
Identifiers: ClinVar variation 449381 (VCV000449381.9), dbSNP rs1557316295, ClinGen allele CA658658965.